The following is an entry in ClinVar:

NM_001001957.2(OR2W3):c.149G>A (p.Arg50Gln)

Gene: OR2W3 (olfactory receptor family 2 subfamily W member 3; plus strand). Cytogenetic location: 1q44.
Variant type: single nucleotide variant.
Coding change: c.149G>A on transcript NM_001001957.2 (MANE Select); coding-DNA position 149, G replaced by A.
Protein change: p.Arg50Gln; replaces arginine 50 with glutamine.
Molecular consequence: missense variant.
Genome position (GRCh38, 1-based): chr1:247,895,735, G>A. VCF-style: chr1-247895735-G-A. GRCh37 (hg19) VCF-style: chr1-248059037-G-A.
Other names: short protein forms R50Q.
Identifiers: ClinVar variation 4696191 (VCV004696191.1).
Genomic context (GRCh38, chr1:247,895,735, plus strand): 5'-TCATCCTGATCGCGTACCTCCTGACCCTCGTAGGCAACACCACCATCATCCTGGTGTCCC[G>A]GCTGGACCCCCACCTCCACACCCCCATGTACTTCTTCCTCGCCCACCTTTCCTTCCTGGA-3'
Protein context (NP_001001957.2, residues 40-60): VGNTTIILVS[Arg50Gln]LDPHLHTPMY

ClinVar aggregate classification (germline): Uncertain significance (1 of 4 stars; one submission).

Submission:

Labcorp Genetics (formerly Invitae), Labcorp
Classification: Uncertain significance. Last evaluated: 2025-03-21. Review status: criteria provided, single submitter. Criteria: Invitae Variant Classification Sherloc (09022015). Collection method: clinical testing. Allele origin: germline.
Comment: This sequence change replaces arginine, which is basic and polar, with glutamine, which is neutral and polar, at codon 50 of the OR2W3 protein (p.Arg50Gln). This variant is present in population databases (rs747750632, gnomAD 0.006%). This variant has not been reported in the literature in individuals affected with OR2W3-related conditions. An algorithm developed to predict the effect of missense changes on protein structure and function outputs the following: PolyPhen-2: "Benign". The glutamine amino acid residue is found in multiple mammalian species, which suggests that this missense change does not adversely affect protein function. In summary, the available evidence is currently insufficient to determine the role of this variant in disease. Therefore, it has been classified as a Variant of Uncertain Significance.